The following is an entry in ClinVar:

ClinVar aggregate classification (germline): Uncertain significance (1 of 4 stars; one submission).

Conditions:
Hereditary sensory and autonomic neuropathy type 1 (HSAN1). Also called: HSAN 1; HSN Type I; Hereditary Sensory Neuropathy Type I. Identifiers: Orphanet 36386, MedGen C0020071, MONDO:0018213.

Allele frequency attached by ClinVar (database versions not stated): gnomAD exomes below 0.00001.
gnomAD v4.1: 1 of 1,613,196 alleles (0.000062%); highest among the groups gnomAD compares: Non-Finnish European, 0.000085%; no homozygotes.

Submission:

Labcorp Genetics (formerly Invitae), Labcorp
Classification: Uncertain significance for Hereditary sensory and autonomic neuropathy type 1. Last evaluated: 2019-03-06. Review status: criteria provided, single submitter. Criteria: Invitae Variant Classification Sherloc (09022015). Collection method: clinical testing. Allele origin: germline.
Comment: This sequence change replaces alanine with glycine at codon 269 of the SPTLC1 protein (p.Ala269Gly). The alanine residue is weakly conserved and there is a small physicochemical difference between alanine and glycine. In summary, the available evidence is currently insufficient to determine the role of this variant in disease. Therefore, it has been classified as a Variant of Uncertain Significance. Algorithms developed to predict the effect of missense changes on protein structure and function are either unavailable or do not agree on the potential impact of this missense change (SIFT: "Deleterious"; PolyPhen-2: "Possibly Damaging"; Align-GVGD: "Class C0"). This variant has not been reported in the literature in individuals with SPTLC1-related conditions. This variant is not present in population databases (ExAC no frequency).

NM_006415.4(SPTLC1):c.806C>G (p.Ala269Gly)

Gene: SPTLC1 (serine palmitoyltransferase long chain base subunit 1; minus strand). Cytogenetic location: 9q22.31.
Variant type: single nucleotide variant.
Coding change: c.806C>G on transcript NM_006415.4 (MANE Select); coding-DNA position 806, C replaced by G.
Protein change: p.Ala269Gly; replaces alanine 269 with glycine.
Molecular consequence: missense variant.
Genome position (GRCh38, 1-based): chr9:92,050,042, G>C on the plus strand (C>G on the coding strand, the complement: SPTLC1 is on the minus strand). VCF-style: chr9-92050042-G-C. GRCh37 (hg19) VCF-style: chr9-94812324-G-C.
Other names: c.806C>G, p.Ala269Gly (NM_001281303.2); c.440C>G, p.Ala147Gly (NM_001368272.1); c.341C>G, p.Ala114Gly (NM_001368273.1); short protein forms A147G, A114G, A269G.
Identifiers: ClinVar variation 854944 (VCV000854944.9), dbSNP rs1833654335, ClinGen allele CA373793866.